The following is an entry in ClinVar:

ClinVar aggregate classification (germline): Uncertain significance (1 of 4 stars; one submission).

Conditions:
RYR1-related disorder. Also called: RYR1-related condition; RYR1-related disorders. Identifiers: MedGen CN239331.

Submission:

Labcorp Genetics (formerly Invitae), Labcorp
Classification: Uncertain significance for RYR1-related disorder. Last evaluated: 2022-08-07. Review status: criteria provided, single submitter. Criteria: Invitae Variant Classification Sherloc (09022015). Collection method: clinical testing. Allele origin: germline.
Comment: This variant has not been reported in the literature in individuals affected with RYR1-related conditions. In summary, the available evidence is currently insufficient to determine the role of this variant in disease. Therefore, it has been classified as a Variant of Uncertain Significance. Advanced modeling of protein sequence and biophysical properties (such as structural, functional, and spatial information, amino acid conservation, physicochemical variation, residue mobility, and thermodynamic stability) performed at Invitae indicates that this missense variant is not expected to disrupt RYR1 protein function. This variant is not present in population databases (gnomAD no frequency). This sequence change replaces threonine, which is neutral and polar, with serine, which is neutral and polar, at codon 3708 of the RYR1 protein (p.Thr3708Ser).

NM_000540.3(RYR1):c.11123C>G (p.Thr3708Ser)

Gene: RYR1 (ryanodine receptor 1; plus strand). Cytogenetic location: 19q13.2.
Variant type: single nucleotide variant.
Coding change: c.11123C>G on transcript NM_000540.3 (MANE Select); coding-DNA position 11123, C replaced by G.
Protein change: p.Thr3708Ser; replaces threonine 3708 with serine.
Molecular consequence: missense variant.
Genome position (GRCh38, 1-based): chr19:38,529,039, C>G. VCF-style: chr19-38529039-C-G. GRCh37 (hg19) VCF-style: chr19-39019679-C-G.
Other names: c.11108C>G, p.Thr3703Ser (NM_001042723.2); short protein forms T3708S, T3703S.
Identifiers: ClinVar variation 1988354 (VCV001988354.4), dbSNP rs2514500443, ClinGen allele CA405650401.
Genomic context (GRCh38, chr19:38,529,039, plus strand): 5'-AAGAGGTGGAAGAGAAGAAGCCAGACCCCCTGCACCAGTTGGTCCTGCACTTCAGCCGCA[C>G]TGCCCTGACGGAAAAGAGGTGAAGACTCTTGCCAGGGCCCCAGAAATGCCCCCAAGGTCC-3'
Protein context (NP_000531.2, residues 3698-3718): LHQLVLHFSR[Thr3708Ser]ALTEKSKLDE